The following is an entry in ClinVar:

NM_014714.4(IFT140):c.4182G>A (p.Thr1394=)

Gene: IFT140 (intraflagellar transport 140; minus strand). Cytogenetic location: 16p13.3.
Variant type: single nucleotide variant.
Coding change: c.4182G>A on transcript NM_014714.4 (MANE Select); coding-DNA position 4182, G replaced by A.
Protein change: p.Thr1394=; no amino-acid change (threonine 1394 retained).
Molecular consequence: synonymous variant.
Genome position (GRCh38, 1-based): chr16:1,518,216, C>T on the plus strand (G>A on the coding strand, the complement: IFT140 is on the minus strand). VCF-style: chr16-1518216-C-T. GRCh37 (hg19) VCF-style: chr16-1568217-C-T.
Identifiers: ClinVar variation 2573571 (VCV002573571.3), dbSNP rs1205558514, ClinGen allele CA492931565.

ClinVar aggregate classification (germline): Uncertain significance. Review status: criteria provided, multiple submitters, no conflicts (2 of 4 stars). 3 submissions from 3 submitters: Uncertain significance (3). Last evaluated 2026-01-20.

Conditions:
Saldino-Mainzer syndrome (SRTD9). Also called: CONORENAL SYNDROME; Renal dysplasia, retinal pigmentary dystrophy, cerebellar ataxia and skeletal dysplasia; short-rib thoracic dysplasia 9 with or without polydactyly; SHORT-RIB THORACIC DYSPLASIA 9 WITHOUT POLYDACTYLY. Identifiers: Orphanet 140969, MedGen C1849437, MONDO:0009964, OMIM 266920.
Retinal disorder. Also called: Retinopathy; Retinopathies; Retinal Diseases; Retinal disorders. Identifiers: MedGen C0035309, MONDO:0005283, HP:0000488.

Allele frequency attached by ClinVar (database versions not stated): TOPMed below 0.00001; gnomAD 0.00001.
gnomAD v4.1: 11 of 1,611,316 alleles (0.00068%); highest among the groups gnomAD compares: Admixed American, 0.0033%; no homozygotes.

Submissions (3):

Genetics Laboratory, Great Ormond Street Hospital NHS Foundation Trust, North Thames Genomic Laboratory Hub
Classification: Uncertain significance for Retinal disorders. Last evaluated: 2026-01-20. Review status: criteria provided, single submitter. Criteria: ACGS Best Practice Guidelines for Variant Classification in Rare Disease 2024 v1.2. Collection method: clinical testing. Allele origin: germline. Affected: yes.
Comment: PM2_moderate, PP3_supporting, PM3_supporting

Labcorp Genetics (formerly Invitae), Labcorp
Classification: Uncertain significance for Saldino-Mainzer syndrome. Last evaluated: 2025-05-13. Review status: criteria provided, single submitter. Criteria: Invitae Variant Classification Sherloc (09022015). Collection method: clinical testing. Allele origin: germline.
Comment: This sequence change affects codon 1394 of the IFT140 mRNA. It is a 'silent' change, meaning that it does not change the encoded amino acid sequence of the IFT140 protein. This variant also falls at the last nucleotide of exon 30, which is part of the consensus splice site for this exon. This variant is present in population databases (no rsID available, gnomAD 0.006%). This variant has been observed in individual(s) with clinical features of IFT140-related conditions (PMID: 34429528). ClinVar contains an entry for this variant (Variation ID: 2573571). Variants that disrupt the consensus splice site are a relatively common cause of aberrant splicing (PMID: 17576681, 9536098). Algorithms developed to predict the effect of sequence changes on RNA splicing suggest that this variant may disrupt the consensus splice site. In summary, the available evidence is currently insufficient to determine the role of this variant in disease. Therefore, it has been classified as a Variant of Uncertain Significance.

Women's Health and Genetics/Laboratory Corporation of America, LabCorp
Classification: Uncertain significance. Last evaluated: 2023-06-29. Review status: criteria provided, single submitter. Criteria: LabCorp Variant Classification Summary - May 2015. Collection method: clinical testing. Allele origin: germline.
Comment: Variant summary: IFT140 c.4182G>A (p.Thr1394Thr) alters a conserved nucleotide located close to a canonical splice site and therefore could affect mRNA splicing, leading to a significantly altered protein sequence in the last intron/exon. Several computational tools predict a significant impact on normal splicing: Two predict the variant abolishes the canonical 5' splicing donor site. Two predict the variant weakens the canonical 5' splicing donor site. However, these predictions have yet to be confirmed by functional studies. The variant allele was found at a frequency of 8.1e-06 in 247944 control chromosomes. The available data on variant occurrences in the general population are insufficient to allow any conclusion about variant significance. c.4182G>A has been reported in the literature in at least one presumably compound heterozygous individual affected with clinical features of polydactyly; craniosynostosis; juvenile cataract and rod cone dystrophy with reportedly unknown segregation (example: Hyder_2021). These data do not allow any conclusion about variant significance. To our knowledge, no experimental evidence demonstrating an impact on protein function has been reported. The following publication has been ascertained in the context of this evaluation (PMID: 34429528). No submitters have cited clinical-significance assessments for this variant to ClinVar after 2014. Based on the evidence outlined above, the variant was classified as VUS-possibly pathogenic.

Literature cited by the submitters: PubMed 34429528 (cited by Labcorp Genetics (formerly Invitae), Labcorp and Women's Health and Genetics/Laboratory Corporation of America, LabCorp); PubMed 17576681 (cited by Labcorp Genetics (formerly Invitae), Labcorp); PubMed 9536098 (cited by Labcorp Genetics (formerly Invitae), Labcorp).